The following is an entry in ClinVar:

ClinVar aggregate classification (germline): Likely benign (1 of 4 stars; one submission).

Conditions:
Agenesis of the corpus callosum with peripheral neuropathy (ACCPN). Also called: CHARLEVOIX DISEASE; POLYNEUROPATHY, SENSORIMOTOR, WITH OR WITHOUT AGENESIS OF THE CORPUS CALLOSUM; HMSN/ACC; Hereditary Motor and Sensory Neuropathy with Agenesis of the Corpus Callosum. Identifiers: Orphanet 1496, MedGen C0795950, MONDO:0000902, OMIM 218000. Disease mechanism: loss of function.

Allele frequency attached by ClinVar (database versions not stated): gnomAD 0.01600 and 0.01711; 1000 Genomes Project 0.01717; 1000 Genomes Project 30x 0.01796; TOPMed 0.01819.

Submission:

Illumina Laboratory Services, Illumina
Classification: Likely benign for Agenesis of the corpus callosum with peripheral neuropathy. Last evaluated: 2017-04-27. Review status: criteria provided, single submitter. Criteria: ICSL Variant Classification Criteria 13 December 2019. Collection method: clinical testing. Allele origin: germline.
Comment: This variant was observed as part of a predisposition screen in an ostensibly healthy population. A literature search was performed for the gene, cDNA change, and amino acid change (where applicable). No publications were found based on this search. Allele frequency data from public databases allowed determination this variant is unlikely to cause disease. Therefore, this variant is classified as likely benign.

NM_001365088.1(SLC12A6):c.*2901T>A

Gene: SLC12A6 (solute carrier family 12 member 6; minus strand). Cytogenetic location: 15q14.
Variant type: single nucleotide variant.
Coding change: c.*2901T>A on transcript NM_001365088.1 (MANE Select); 2901 bases downstream of the stop codon, T replaced by A.
Molecular consequence: 3 prime UTR variant.
Genome position (GRCh38, 1-based): chr15:34,230,980, A>T on the plus strand (T>A on the coding strand, the complement: SLC12A6 is on the minus strand). VCF-style: chr15-34230980-A-T. GRCh37 (hg19) VCF-style: chr15-34523181-A-T.
Other names: c.*2901T>A (NM_001042494.2, NM_001042495.2, NM_001042496.2 and 3 more transcripts).
Identifiers: ClinVar variation 315559 (VCV000315559.5), dbSNP rs8039731, ClinGen allele CA10641571.